The following is an entry in ClinVar:

NM_005732.4(RAD50):c.91C>T (p.Leu31Phe)

Gene: RAD50 (RAD50 double strand break repair protein; plus strand). Cytogenetic location: 5q31.1.
Variant type: single nucleotide variant.
Coding change: c.91C>T on transcript NM_005732.4 (MANE Select); coding-DNA position 91, C replaced by T.
Protein change: p.Leu31Phe; replaces leucine 31 with phenylalanine.
Molecular consequence: missense variant.
Genome position (GRCh38, 1-based): chr5:132,557,415, C>T. VCF-style: chr5-132557415-C-T. GRCh37 (hg19) VCF-style: chr5-131893107-C-T.
Other names: short protein forms L31F.
Identifiers: ClinVar variation 1766166 (VCV001766166.2), dbSNP rs2149830162, ClinGen allele CA360951571.
Genomic context (GRCh38, chr5:132,557,415, plus strand): 5'-GGCGTGCGGAGTTTTGGAATAGAGGACAAAGATAAGCAAATTATCACTTTCTTCAGCCCC[C>T]TTACAATTTTGGTTGGACCCAATGGGGCGGGAAAGACGGTAAGTCTTCAGTAGCCGCCTT-3'
Protein context (NP_005723.2, residues 21-41): DKQIITFFSP[Leu31Phe]TILVGPNGAG

ClinVar aggregate classification (germline): Uncertain significance (1 of 4 stars; one submission).

Conditions:
Hereditary cancer-predisposing syndrome. Also called: Neoplastic Syndromes, Hereditary; Tumor predisposition; Hereditary Cancer Syndrome; Hereditary neoplastic syndrome. Identifiers: Orphanet 140162, MedGen C0027672, MeSH D009386, MONDO:0015356.

Submission:

Ambry Genetics
Classification: Uncertain significance for Hereditary cancer-predisposing syndrome. Last evaluated: 2020-11-13. Review status: criteria provided, single submitter. Criteria: Ambry Variant Classification Scheme 2023. Collection method: clinical testing. Allele origin: germline.
Comment: The p.L31F variant (also known as c.91C>T), located in coding exon 1 of the RAD50 gene, results from a C to T substitution at nucleotide position 91. The leucine at codon 31 is replaced by phenylalanine, an amino acid with highly similar properties. This amino acid position is highly conserved in available vertebrate species. In addition, the in silico prediction for this alteration is inconclusive. Since supporting evidence is limited at this time, the clinical significance of this alteration remains unclear.